The following is an entry in ClinVar:

ClinVar aggregate classification (germline): Uncertain significance (1 of 4 stars; one submission).

Conditions:
Galactosylceramide beta-galactosidase deficiency. Also called: Leukodystrophy, Globoid Cell; GALACTOCEREBROSIDASE DEFICIENCY; GALC DEFICIENCY; GLOBOID CELL LEUKOENCEPHALOPATHY; Krabbe Disease. Identifiers: Orphanet 487, MedGen C0023521, MONDO:0009499, OMIM 245200.

Submission:

3billion
Classification: Uncertain significance for Galactosylceramide beta-galactosidase deficiency. Last evaluated: 2022-05-22. Review status: criteria provided, single submitter. Criteria: ACMG Guidelines, 2015. Collection method: clinical testing. Allele origin: germline. Affected: yes. Observed: 1 heterozygote.
Comment: The variant is not observed in the gnomAD v2.1.1 dataset. In silico tool predictions suggest damaging effect of the variant on gene or gene product (REVEL: 0.88; 3Cnet: 0.57). Same nucleotide change resulting in same amino acid change has been previously reported to be associated with GALC related disorder (PMID: 28598007). However, the evidence of pathogenicity is insufficient at this time. Therefore, this variant is classified as uncertain significanceaccording to the recommendation of ACMG/AMP guideline.

Literature cited by the submitters: PubMed 28598007.

NM_000153.4(GALC):c.1589T>C (p.Leu530Pro)

Gene: GALC (galactosylceramidase; minus strand). Cytogenetic location: 14q31.3.
Variant type: single nucleotide variant.
Coding change: c.1589T>C on transcript NM_000153.4 (MANE Select); coding-DNA position 1589, T replaced by C.
Protein change: p.Leu530Pro; replaces leucine 530 with proline.
Molecular consequence: missense variant.
Genome position (GRCh38, 1-based): chr14:87,945,634, A>G on the plus strand (T>C on the coding strand, the complement: GALC is on the minus strand). VCF-style: chr14-87945634-A-G. GRCh37 (hg19) VCF-style: chr14-88411978-A-G.
Other names: c.1520T>C, p.Leu507Pro (NM_001201401.2); c.1511T>C, p.Leu504Pro (NM_001201402.2); short protein forms L504P, L507P, L530P.
Identifiers: ClinVar variation 1687277 (VCV001687277.1), dbSNP rs2139951392, ClinGen allele CA390746120.